The following is an entry in ClinVar:

NM_001365951.3(KIF1B):c.1365G>A (p.Thr455=)

Gene: KIF1B (kinesin family member 1B; plus strand). Cytogenetic location: 1p36.22.
Variant type: single nucleotide variant.
Coding change: c.1365G>A on transcript NM_001365951.3 (MANE Select); coding-DNA position 1365, G replaced by A.
Protein change: p.Thr455=; no amino-acid change (threonine 455 retained).
Molecular consequence: synonymous variant.
Genome position (GRCh38, 1-based): chr1:10,282,464, G>A. VCF-style: chr1-10282464-G-A. GRCh37 (hg19) VCF-style: chr1-10342522-G-A.
Other names: c.1365G>A, p.Thr455= (NM_001365952.1); c.1227G>A, p.Thr409= (NM_001365953.1, NM_015074.3, NM_183416.4).
Identifiers: ClinVar variation 291522 (VCV000291522.22), dbSNP rs17034660, ClinGen allele CA580949.
Genomic context (GRCh38, chr1:10,282,464, plus strand): 5'-CATGGGGTCCCTCACTTCATCCCCATCTTCCTGCTCACTCAGTAGTCAGGTGGGCTTGAC[G>A]TCTGTGACCAGTATTCAAGAGAGGATCATGTCTACACCTGGAGGAGAGGAAGCTATTGAA-3'
Protein context (NP_001352880.1, residues 445-465): SCSLSSQVGL[Thr455=]SVTSIQERIM

ClinVar aggregate classification (germline): Benign. Review status: criteria provided, multiple submitters, no conflicts (2 of 4 stars). 7 submissions from 7 submitters: Benign (7). Last evaluated 2026-02-04.

Conditions:
Charcot-Marie-Tooth disease. Also called: Charcot-Marie-Tooth Neuropathy; Charcot-Marie-Tooth Hereditary Neuropathy. Identifiers: Orphanet 166, MedGen C0007959, MONDO:0015626.
Neuroblastoma (NB). Identifiers: Orphanet 635, MedGen C0027819, MeSH D009447, MONDO:0005072, HP:0003006.
Hereditary cancer-predisposing syndrome. Also called: Tumor predisposition; Hereditary neoplastic syndrome; Neoplastic Syndromes, Hereditary; Hereditary Cancer Syndrome. Identifiers: Orphanet 140162, MedGen C0027672, MeSH D009386, MONDO:0015356.
Charcot-Marie-Tooth disease type 2. Also called: Charcot-Marie-Tooth type 2. Identifiers: Orphanet 64746, MedGen C0270914, MONDO:0018993.

Allele frequency attached by ClinVar (database versions not stated): gnomAD 0.03502 and 0.03490; 1000 Genomes Project 30x 0.04107; gnomAD exomes 0.03300 and 0.02527; ESP Exome Variant Server 0.03329; ExAC 0.03276; TOPMed 0.03528; 1000 Genomes Project 0.04113.
gnomAD v4.1: 42,783 of 1,614,006 alleles (2.7%); highest among the groups gnomAD compares: Middle Eastern, 8.5%; 760 homozygotes.

Submissions (7):

Labcorp Genetics (formerly Invitae), Labcorp
Classification: Benign for Charcot-Marie-Tooth disease type 2. Last evaluated: 2026-02-04. Review status: criteria provided, single submitter. Criteria: Invitae Variant Classification Sherloc (09022015). Collection method: clinical testing. Allele origin: germline.

Molecular Diagnostics Laboratory, Catalan Institute of Oncology
Classification: Benign for Hereditary cancer-predisposing syndrome. Last evaluated: 2025-07-08. Review status: criteria provided, single submitter. Criteria: ACMG Guidelines, 2015. Collection method: clinical testing. Allele origin: germline.
Comment: BA1, BP4, BP7 c.1227G>A located in exon 13 of the KIF1B gene is predicted to result in no splicing alteration (according to SpliceAI) and no amino acid change, p.(Thr409=)(BP4, BP7). The variant allele was found in 8999/268140 alleles (177 homozygous), with a filtering allele frequency of 3.27% at 99% confidence, in the gnomAD v2.1.1 database (non-cancer data set)(BA1). To our knowledge, neither relevant clinical data nor functional studies have been reported for this variant. This variant has been identified in the ClinVar database (6x benign) but has not been identified in the LOVD database. Based on currently available information, c.1227G>A is classified as a benign variant according ACMG guidelines.

Ambry Genetics
Classification: Benign. Last evaluated: 2020-07-28. Review status: criteria provided, single submitter. Criteria: Ambry Variant Classification Scheme 2023. Collection method: clinical testing. Allele origin: germline.

Illumina Laboratory Services, Illumina
Classification: Benign for Neuroblastoma. Last evaluated: 2018-01-12. Review status: criteria provided, single submitter. Criteria: ICSL Variant Classification Criteria 13 December 2019. Collection method: clinical testing. Allele origin: germline.
Comment: This variant was observed in the ICSL laboratory as part of a predisposition screen in an ostensibly healthy population. It had not been previously curated by ICSL or reported in the Human Gene Mutation Database (HGMD: prior to June 1st, 2018), and was therefore a candidate for classification through an automated scoring system. Utilizing variant allele frequency, disease prevalence and penetrance estimates, and inheritance mode, an automated score was calculated to assess if this variant is too frequent to cause the disease. Based on the score and internal cut-off values, a variant classified as benign is not then subjected to further curation. The score for this variant resulted in a classification of benign for this disease.

GeneDx
Classification: Benign. Last evaluated: 2015-03-03. Review status: criteria provided, single submitter. Criteria: GeneDx Variant Classification Process June 2021. Collection method: clinical testing. Allele origin: germline. Affected: yes.

Breakthrough Genomics
Classification: Benign. Review status: criteria provided, single submitter. Criteria: ACMG Guidelines, 2015. Collection method: not provided. Allele origin: germline. Inheritance: Autosomal dominant inheritance. Affected: yes.

Molecular Genetics Laboratory, London Health Sciences Centre
Classification: Benign for Charcot-Marie-Tooth disease. Review status: criteria provided, single submitter. Criteria: ACMG Guidelines, 2015. Collection method: clinical testing. Allele origin: germline. Affected: yes.